The following is an entry in ClinVar:

ClinVar aggregate classification (germline): Likely benign (0 of 4 stars; one submission).

Conditions:
RBFOX1-related disorder. Also called: RBFOX1-related condition.

Allele frequency attached by ClinVar (database versions not stated): gnomAD exomes below 0.00001.
gnomAD v4.1: 3 of 1,508,532 alleles (0.0002%); highest among the groups gnomAD compares: Non-Finnish European, 0.00026%; no homozygotes.

Submission:

PreventionGenetics, part of Exact Sciences
Classification: Likely benign for RBFOX1-related condition. Last evaluated: 2020-05-21. Review status: no assertion criteria provided. Collection method: clinical testing. Allele origin: germline.
Comment: This variant is classified as likely benign based on ACMG/AMP sequence variant interpretation guidelines (Richards et al. 2015 PMID: 25741868, with internal and published modifications).

NM_018723.4(RBFOX1):c.-22C>T

Gene: RBFOX1 (RNA binding fox-1 homolog 1; plus strand). Cytogenetic location: 16p13.3.
Variant type: single nucleotide variant.
Coding change: c.-22C>T on transcript NM_018723.4 (MANE Select); 22 bases upstream of the start codon, C replaced by T.
Molecular consequence: 5 prime UTR variant. On other transcripts: synonymous variant (18).
Genome position (GRCh38, 1-based): chr16:6,654,644, C>T. VCF-style: chr16-6654644-C-T. GRCh37 (hg19) VCF-style: chr16-6704645-C-T.
Other names: c.-22C>T (NM_001142333.2, NM_001364800.2, NM_001415916.1); c.108C>T, p.Asp36= (NM_001308117.1, NM_001411047.1, NM_001415891.1 and 5 more transcripts); c.576C>T, p.Asp192= (NM_001415887.1, NM_001415888.1); c.87C>T, p.Asp29= (NM_001415889.1, NM_001415892.1, NM_001415894.1 and 5 more transcripts).
Identifiers: ClinVar variation 3036189 (VCV003036189.2), dbSNP rs1799717079, ClinGen allele CA493343801.